The following is an entry in ClinVar:

NM_018900.4(PCDHA1):c.2519C>G (p.Pro840Arg)

Genes: PCDHACT (protocadherin alpha constant; plus strand), PCDHA9 (protocadherin alpha 9; plus strand), PCDHA@ (protocadherin alpha cluster, complex locus; plus strand), PCDHAC1 (protocadherin alpha subfamily C, 1; plus strand), PCDHAC2 (protocadherin alpha subfamily C, 2; plus strand) and 12 more. Cytogenetic location: 5q31.3.
Variant type: single nucleotide variant.
Coding change: c.2519C>G on transcript NM_018900.4 (MANE Select); coding-DNA position 2519, C replaced by G.
Protein change: p.Pro840Arg; replaces proline 840 with arginine.
Molecular consequence: missense variant.
Genome position (GRCh38, 1-based): chr5:140,982,540, C>G. VCF-style: chr5-140982540-C-G. GRCh37 (hg19) VCF-style: chr5-140362125-C-G.
Other names: c.2690C>G, p.Pro897Arg (NM_018899.6); c.2558C>G, p.Pro853Arg (NM_018898.5); c.2519C>G, p.Pro840Arg (NM_018904.3, NM_018911.3, NM_018909.4 and 2 more transcripts); c.2492C>G, p.Pro831Arg (NM_018903.4); c.2516C>G, p.Pro839Arg (NM_018902.5); c.2513C>G, p.Pro838Arg (NM_018901.4, NM_018905.3); c.1724C>G, p.Pro575Arg (NM_031860.3); c.2480C>G, p.Pro827Arg (NM_018910.3); and 3 more; short protein forms P576R, P826R, P831R, P840R, P827R, P575R, P839R, P853R.
Identifiers: ClinVar variation 770914 (VCV000770914.29), dbSNP rs79247475, ClinGen allele CA3454499.

ClinVar aggregate classification (germline): Benign/Likely benign. Review status: criteria provided, multiple submitters, no conflicts (2 of 4 stars). 3 submissions from 3 submitters: Benign (1); Likely benign (1). 1 of the submissions does not count toward it. Last evaluated 2026-08-01.

Conditions:
PCDHA9-related disorder. Also called: PCDHA9-related condition.

Allele frequency attached by ClinVar (database versions not stated): 1000 Genomes Project 0.00160; 1000 Genomes Project 30x 0.00172; TOPMed 0.00258; ESP Exome Variant Server 0.00300; gnomAD exomes 0.00431 and 0.00511; gnomAD 0.00458 and 0.00476; ExAC 0.00555.
gnomAD v4.1: 6,927 of 1,614,122 alleles (0.43%); highest among the groups gnomAD compares: South Asian, 0.5%; 34 homozygotes.

Submissions (3):

CeGaT Center for Human Genetics Tuebingen
Classification: Likely benign. Last evaluated: 2026-08-01. Review status: criteria provided, single submitter. Criteria: CeGaT Center For Human Genetics Tuebingen Variant Classification Criteria Version 2. Collection method: clinical testing. Allele origin: germline. Affected: yes. Observed: 3 variant alleles.
Comment: PCDHA4: BS2; PCDHA3: BS2; PCDHA8: BS2; PCDHA6: BS2; PCDHA7: BS2; PCDHA5: BS2; PCDHA2: BS2; PCDHA1: BS2; PCDHA9: BS2

Labcorp Genetics (formerly Invitae), Labcorp
Classification: Benign. Last evaluated: 2019-10-30. Review status: criteria provided, single submitter. Criteria: Invitae Variant Classification Sherloc (09022015). Collection method: clinical testing. Allele origin: germline.

PreventionGenetics, part of Exact Sciences
Classification: Benign for PCDHA9-related condition. Last evaluated: 2019-03-01. Review status: no assertion criteria provided. Collection method: clinical testing. Allele origin: germline. Not counted in ClinVar's aggregate classification.
Comment: This variant is classified as benign based on ACMG/AMP sequence variant interpretation guidelines (Richards et al. 2015 PMID: 25741868, with internal and published modifications).